The following is an entry in ClinVar:

ClinVar aggregate classification (germline): Likely benign (1 of 4 stars; one submission).

gnomAD v4.1: 30 of 1,613,974 alleles (0.0019%); highest among the groups gnomAD compares: South Asian, 0.0033%; no homozygotes.

Submission:

CeGaT Center for Human Genetics Tuebingen
Classification: Likely benign. Last evaluated: 2026-05-01. Review status: criteria provided, single submitter. Criteria: CeGaT Center For Human Genetics Tuebingen Variant Classification Criteria Version 2. Collection method: clinical testing. Allele origin: germline. Affected: yes. Observed: 1 variant allele.
Comment: TLL1: BP4

NM_012464.5(TLL1):c.1100A>G (p.Asn367Ser)

Gene: TLL1 (tolloid like 1; plus strand). Cytogenetic location: 4q32.3.
Variant type: single nucleotide variant.
Coding change: c.1100A>G on transcript NM_012464.5 (MANE Select); coding-DNA position 1100, A replaced by G.
Protein change: p.Asn367Ser; replaces asparagine 367 with serine.
Molecular consequence: missense variant.
Genome position (GRCh38, 1-based): chr4:166,025,373, A>G. VCF-style: chr4-166025373-A-G. GRCh37 (hg19) VCF-style: chr4-166946525-A-G.
Other names: c.1100A>G, p.Asn367Ser (NM_001204760.2); short protein forms N367S.
Identifiers: ClinVar variation 4873495 (VCV004873495.2).